The following is an entry in ClinVar:

NM_032043.3(BRIP1):c.2536G>C (p.Asp846His)

Gene: BRIP1 (BRCA1 interacting DNA helicase 1; minus strand). Cytogenetic location: 17q23.2.
Variant type: single nucleotide variant.
Coding change: c.2536G>C on transcript NM_032043.3 (MANE Select); coding-DNA position 2536, G replaced by C.
Protein change: p.Asp846His; replaces aspartic acid 846 with histidine.
Molecular consequence: missense variant.
Genome position (GRCh38, 1-based): chr17:61,693,469, C>G on the plus strand (G>C on the coding strand, the complement: BRIP1 is on the minus strand). VCF-style: chr17-61693469-C-G. GRCh37 (hg19) VCF-style: chr17-59770830-C-G.
Other names: short protein forms D846H.
Identifiers: ClinVar variation 231862 (VCV000231862.20), dbSNP rs876659409, ClinGen allele CA10580797.
Genomic context (GRCh38, chr17:61,693,469, plus strand): 5'-TAAGCCCAGCTGAGATCTTACCAGATATATAGCGACTTGGGTTATTCCTAAAGCGATCAT[C>G]CACTAGAATAAGAGCTCCCCAATCATTTCTGTGTCTAATACATCTAGAAAAAATAGGGAA-3'
Protein context (NP_114432.2, residues 836-856): RNDWGALILV[Asp846His]DRFRNNPSRY

ClinVar aggregate classification (germline): Uncertain significance. Review status: criteria provided, multiple submitters, no conflicts (2 of 4 stars). 5 submissions from 5 submitters: Uncertain significance (5). Last evaluated 2026-01-13.

Conditions:
Hereditary cancer-predisposing syndrome. Also called: Hereditary Cancer Syndrome; Neoplastic Syndromes, Hereditary; Tumor predisposition; Hereditary neoplastic syndrome. Identifiers: Orphanet 140162, MedGen C0027672, MeSH D009386, MONDO:0015356.
Fanconi anemia complementation group J. Also called: BRIP1-Related Fanconi Anemia. Identifiers: Orphanet 84, MedGen C1836860, MONDO:0012187, OMIM 609054.
Familial cancer of breast. Also called: Hereditary breast cancer; hereditary breast carcinoma; BREAST CANCER, FAMILIAL. Identifiers: Orphanet 227535, MedGen C0346153, MONDO:0016419, OMIM 114480. Disease mechanism: loss of function.

Allele frequency attached by ClinVar (database versions not stated): gnomAD exomes below 0.00001; TOPMed below 0.00001.
gnomAD v4.1: 1 of 1,613,646 alleles (0.000062%); highest among the groups gnomAD compares: Admixed American, 0.0017%; no homozygotes.

Submissions (5):

Labcorp Genetics (formerly Invitae), Labcorp
Classification: Uncertain significance for Familial cancer of breast; Fanconi anemia complementation group J. Last evaluated: 2026-01-13. Review status: criteria provided, single submitter. Criteria: Invitae Variant Classification Sherloc (09022015). Collection method: clinical testing. Allele origin: germline.
Comment: This sequence change replaces aspartic acid, which is acidic and polar, with histidine, which is basic and polar, at codon 846 of the BRIP1 protein (p.Asp846His). This variant is not present in population databases (gnomAD no frequency). This variant has not been reported in the literature in individuals affected with BRIP1-related conditions. ClinVar contains an entry for this variant (Variation ID: 231862). Invitae Evidence Modeling of protein sequence and biophysical properties (such as structural, functional, and spatial information, amino acid conservation, physicochemical variation, residue mobility, and thermodynamic stability) indicates that this missense variant is expected to disrupt BRIP1 protein function with a positive predictive value of 95%. In summary, the available evidence is currently insufficient to determine the role of this variant in disease. Therefore, it has been classified as a Variant of Uncertain Significance.

Quest Diagnostics Nichols Institute San Juan Capistrano
Classification: Uncertain significance. Last evaluated: 2025-10-02. Review status: criteria provided, single submitter. Criteria: Quest Diagnostics criteria. Collection method: clinical testing. Allele origin: unknown.
Comment: The BRIP1 c.2536G>C (p.Asp846His) variant has not been reported in individuals with BRIP1-related conditions in the published literature. This variant has not been reported in large, multi-ethnic general populations (Genome Aggregation Database). Analysis of this variant using bioinformatics tools for the prediction of the effect of amino acid changes on protein structure and function yielded inconclusive and damaging findings. Based on the available information, we are unable to determine the clinical significance of this variant.

Ambry Genetics
Classification: Uncertain significance for Hereditary cancer-predisposing syndrome. Last evaluated: 2024-09-13. Review status: criteria provided, single submitter. Criteria: Ambry Variant Classification Scheme 2023. Collection method: clinical testing. Allele origin: germline.
Comment: The p.D846H variant (also known as c.2536G>C), located in coding exon 17 of the BRIP1 gene, results from a G to C substitution at nucleotide position 2536. The aspartic acid at codon 846 is replaced by histidine, an amino acid with similar properties. This amino acid position is highly conserved in available vertebrate species. In addition, this alteration is predicted to be deleterious by in silico analysis. Since supporting evidence is limited at this time, the clinical significance of this alteration remains unclear.

Color Diagnostics, LLC DBA Color Health
Classification: Uncertain significance for Hereditary cancer-predisposing syndrome. Last evaluated: 2023-12-04. Review status: criteria provided, single submitter. Criteria: ACMG Guidelines, 2015. Collection method: clinical testing. Allele origin: germline.
Comment: This missense variant replaces aspartic acid with histidine at codon 846 of the BRIP1 protein. Computational prediction suggests that this variant may have deleterious impact on protein structure and function (internally defined REVEL score threshold >= 0.7, PMID: 27666373). To our knowledge, functional studies have not been reported for this variant. This variant has not been reported in individuals affected with BRIP1-related disorders in the literature. This variant has not been identified in the general population by the Genome Aggregation Database (gnomAD). The available evidence is insufficient to determine the role of this variant in disease conclusively. Therefore, this variant is classified as a Variant of Uncertain Significance.

Baylor Genetics
Classification: Uncertain significance for Familial cancer of breast. Last evaluated: 2023-05-26. Review status: criteria provided, single submitter. Criteria: ACMG Guidelines, 2015. Collection method: clinical testing. Allele origin: unknown.